The following is an entry in ClinVar:

ClinVar aggregate classification (germline): Uncertain significance. Review status: criteria provided, multiple submitters, no conflicts (2 of 4 stars). 3 submissions from 3 submitters: Uncertain significance (2). 1 of the submissions does not count toward it. Last evaluated 2023-07-14.

Conditions:
Microcephaly, normal intelligence and immunodeficiency (NBS). Also called: BERLIN BREAKAGE SYNDROME; Ataxia telangiectasia variant V1; IMMUNODEFICIENCY, MICROCEPHALY, AND CHROMOSOMAL INSTABILITY; SEEMANOVA SYNDROME II; Immunodeficiency, microcephaly with normal intelligence; Nijmegen breakage syndrome. Identifiers: Orphanet 647, MedGen C0398791, MONDO:0009623, OMIM 251260.

Allele frequency attached by ClinVar (database versions not stated): gnomAD exomes below 0.00001.
gnomAD v4.1: 1 of 1,612,954 alleles (0.000062%); highest among the groups gnomAD compares: Admixed American, 0.0017%; no homozygotes.

Submissions (3):

Labcorp Genetics (formerly Invitae), Labcorp
Classification: Uncertain significance for Microcephaly, normal intelligence and immunodeficiency. Last evaluated: 2023-07-14. Review status: criteria provided, single submitter. Criteria: Invitae Variant Classification Sherloc (09022015). Collection method: clinical testing. Allele origin: germline.
Comment: Algorithms developed to predict the effect of missense changes on protein structure and function output the following: SIFT: "Not Available"; PolyPhen-2: "Benign"; Align-GVGD: "Not Available". The valine amino acid residue is found in multiple mammalian species, which suggests that this missense change does not adversely affect protein function. This sequence change replaces isoleucine, which is neutral and non-polar, with valine, which is neutral and non-polar, at codon 228 of the NBN protein (p.Ile228Val). This variant is present in population databases (no rsID available, gnomAD 0.003%). This variant has not been reported in the literature in individuals affected with NBN-related conditions. ClinVar contains an entry for this variant (Variation ID: 492129). In summary, the available evidence is currently insufficient to determine the role of this variant in disease. Therefore, it has been classified as a Variant of Uncertain Significance.

Genome-Nilou Lab
Classification: Uncertain significance for Microcephaly, normal intelligence and immunodeficiency. Last evaluated: 2021-11-07. Review status: criteria provided, single submitter. Criteria: ACMG Guidelines, 2015. Collection method: clinical testing. Allele origin: germline. Affected: no.

Natera, Inc.
Classification: Uncertain significance for Nijmegen breakage syndrome. Last evaluated: 2020-11-04. Review status: no assertion criteria provided. Collection method: clinical testing. Allele origin: germline. Not counted in ClinVar's aggregate classification.

NM_002485.5(NBN):c.682A>G (p.Ile228Val)

Gene: NBN (nibrin; minus strand). Cytogenetic location: 8q21.3.
Variant type: single nucleotide variant.
Coding change: c.682A>G on transcript NM_002485.5 (MANE Select); coding-DNA position 682, A replaced by G.
Protein change: p.Ile228Val; replaces isoleucine 228 with valine.
Molecular consequence: missense variant.
Genome position (GRCh38, 1-based): chr8:89,971,193, T>C on the plus strand (A>G on the coding strand, the complement: NBN is on the minus strand). VCF-style: chr8-89971193-T-C. GRCh37 (hg19) VCF-style: chr8-90983421-T-C.
Other names: c.436A>G, p.Ile146Val (NM_001024688.3); short protein forms I228V, I146V.
Identifiers: ClinVar variation 492129 (VCV000492129.20), dbSNP rs1204337347, ClinGen allele CA371658968.